The following is an entry in ClinVar:

NM_002474.3(MYH11):c.623C>A (p.Thr208Lys)

Gene: MYH11 (myosin heavy chain 11; minus strand). Cytogenetic location: 16p13.11.
Variant type: single nucleotide variant.
Coding change: c.623C>A on transcript NM_002474.3 (MANE Select); coding-DNA position 623, C replaced by A.
Protein change: p.Thr208Lys; replaces threonine 208 with lysine.
Molecular consequence: missense variant.
Genome position (GRCh38, 1-based): chr16:15,786,640, G>T on the plus strand (C>A on the coding strand, the complement: MYH11 is on the minus strand). VCF-style: chr16-15786640-G-T. GRCh37 (hg19) VCF-style: chr16-15880497-G-T.
Other names: c.623C>A, p.Thr208Lys (NM_001040113.2, NM_001040114.2, NM_022844.3); short protein forms T208K.
Identifiers: ClinVar variation 2773873 (VCV002773873.2), dbSNP rs1204903959, ClinGen allele CA394873485.

ClinVar aggregate classification (germline): Uncertain significance (1 of 4 stars; one submission).

Conditions:
Familial thoracic aortic aneurysm and aortic dissection (TAAD). Also called: Thoracic aortic aneurysms and dissections. Identifiers: Orphanet 91387, MedGen C4707243, MONDO:0019625.

Submission:

Color Diagnostics, LLC DBA Color Health
Classification: Uncertain significance for Familial thoracic aortic aneurysm and aortic dissection. Last evaluated: 2024-03-06. Review status: criteria provided, single submitter. Criteria: ACMG Guidelines, 2015. Collection method: clinical testing. Allele origin: germline.
Comment: This missense variant replaces threonine with lysine at codon 208 of the MYH11 protein. Computational prediction suggests that this variant may not impact protein structure and function (internally defined REVEL score threshold <= 0.5, PMID: 27666373). To our knowledge, functional studies have not been reported for this variant. This variant has not been reported in individuals affected with cardiovascular disorders in the literature. This variant has not been identified in the general population by the Genome Aggregation Database (gnomAD). The available evidence is insufficient to determine the role of this variant in disease conclusively. Therefore, this variant is classified as a Variant of Uncertain Significance.